The following is an entry in ClinVar:

ClinVar aggregate classification (germline): Uncertain significance (1 of 4 stars; one submission).

Submission:

GeneDx
Classification: Uncertain significance. Last evaluated: 2024-01-11. Review status: criteria provided, single submitter. Criteria: GeneDx Variant Classification Process June 2021. Collection method: clinical testing. Allele origin: germline. Affected: yes.
Comment: Not observed at significant frequency in large population cohorts (gnomAD); Missense variants in this gene are a common cause of disease and they are underrepresented in the general population; In silico analysis supports that this missense variant has a deleterious effect on protein structure/function; Has not been previously published as pathogenic or benign to our knowledge; This substitution is predicted to be within the N-terminal cytoplasmic domain

NM_001330260.2(SCN8A):c.371T>C (p.Ile124Thr)

Gene: SCN8A (sodium voltage-gated channel alpha subunit 8; plus strand). Cytogenetic location: 12q13.13.
Variant type: single nucleotide variant.
Coding change: c.371T>C on transcript NM_001330260.2 (MANE Select); coding-DNA position 371, T replaced by C.
Protein change: p.Ile124Thr; replaces isoleucine 124 with threonine.
Molecular consequence: missense variant.
Genome position (GRCh38, 1-based): chr12:51,684,268, T>C. VCF-style: chr12-51684268-T-C. GRCh37 (hg19) VCF-style: chr12-52078052-T-C.
Other names: c.371T>C, p.Ile124Thr (NM_001177984.3, NM_001369788.1, NM_014191.4); short protein forms I124T.
Identifiers: ClinVar variation 3364560 (VCV003364560.1).